The following is an entry in ClinVar:

ClinVar aggregate classification (germline): Conflicting classifications of pathogenicity. Review status: criteria provided, conflicting classifications (1 of 4 stars). 6 submissions from 6 submitters: Uncertain significance (5); Likely benign (1). Last evaluated 2025-07-28.

Conditions:
Hereditary cancer-predisposing syndrome. Also called: Neoplastic Syndromes, Hereditary; Hereditary Cancer Syndrome; Tumor predisposition; Hereditary neoplastic syndrome. Identifiers: Orphanet 140162, MedGen C0027672, MeSH D009386, MONDO:0015356.
Hereditary breast ovarian cancer syndrome. Also called: Hereditary breast and ovarian cancer syndrome; Hereditary breast and ovarian cancer syndrome (HBOC); Hereditary breast and/or ovarian cancer syndrome; Hereditary breast and ovarian cancer; Breast and ovarian cancer; BRCA1- and BRCA2-Associated Hereditary Breast and Ovarian Cancer. Identifiers: Orphanet 145, MedGen C0677776, MeSH D061325, MONDO:0003582. Disease mechanism: loss of function.

Allele frequency attached by ClinVar (database versions not stated): TOPMed below 0.00001.

Submissions (6):

Ambry Genetics
Classification: Uncertain significance for Hereditary cancer-predisposing syndrome. Last evaluated: 2025-07-28. Review status: criteria provided, single submitter. Criteria: Ambry Variant Classification Scheme 2023. Collection method: clinical testing. Allele origin: germline.
Comment: The p.I917V variant (also known as c.2749A>G), located in coding exon 9 of the BRCA1 gene, results from an A to G substitution at nucleotide position 2749. The isoleucine at codon 917 is replaced by valine, an amino acid with highly similar properties. This amino acid position is not well conserved in available vertebrate species. In addition, this alteration is predicted to be tolerated by in silico analysis. Based on the available evidence, the clinical significance of this variant remains unclear.

Labcorp Genetics (formerly Invitae), Labcorp
Classification: Uncertain significance for Hereditary breast ovarian cancer syndrome. Last evaluated: 2024-12-16. Review status: criteria provided, single submitter. Criteria: Invitae Variant Classification Sherloc (09022015). Collection method: clinical testing. Allele origin: germline.
Comment: This sequence change replaces isoleucine, which is neutral and non-polar, with valine, which is neutral and non-polar, at codon 917 of the BRCA1 protein (p.Ile917Val). This variant is not present in population databases (gnomAD no frequency). This variant has not been reported in the literature in individuals affected with BRCA1-related conditions. ClinVar contains an entry for this variant (Variation ID: 927647). Invitae Evidence Modeling of protein sequence and biophysical properties (such as structural, functional, and spatial information, amino acid conservation, physicochemical variation, residue mobility, and thermodynamic stability) indicates that this missense variant is not expected to disrupt BRCA1 protein function with a negative predictive value of 80%. In summary, the available evidence is currently insufficient to determine the role of this variant in disease. Therefore, it has been classified as a Variant of Uncertain Significance.

University of Washington Department of Laboratory Medicine, University of Washington
Classification: Likely benign for Hereditary cancer-predisposing syndrome. Last evaluated: 2023-03-23. Review status: criteria provided, single submitter. Criteria: Dines et al. (Genet Med. 2020). Collection method: curation. Allele origin: germline.
Comment: Missense variant in a coldspot region where missense variants are very unlikely to be pathogenic (PMID:31911673).

BRCA1 coldspot (exon 11 using historical exon numbering). Reclassification based on statistical prior probability

Women's Health and Genetics/Laboratory Corporation of America, LabCorp
Classification: Uncertain significance. Last evaluated: 2022-03-26. Review status: criteria provided, single submitter. Criteria: LabCorp Variant Classification Summary - May 2015. Collection method: clinical testing. Allele origin: germline.

Sema4
Classification: Uncertain significance for Hereditary cancer-predisposing syndrome. Last evaluated: 2021-07-13. Review status: criteria provided, single submitter. Criteria: Sema4 Curation Guidelines. Collection method: curation. Allele origin: germline.
Comment: The BRCA1 c.2749A>G (p.I917V) variant has not been reported in the literature to our knowledge. It was not observed in the large and broad cohorts of the Genome Aggregation Database (PMID: 32461654). The variant has been reported in ClinVar (Variation ID: 927647). In silico tools suggest the impact of the variant on protein function is inconclusive, though these predictions have not been confirmed by functional studies. The evidence is insufficient to meet ACMG/AMP criteria for classifying the variant as benign or pathogenic. Thus, the clinical significance of this variant is currently uncertain.

Color Diagnostics, LLC DBA Color Health
Classification: Uncertain significance for Hereditary cancer-predisposing syndrome. Last evaluated: 2019-09-04. Review status: criteria provided, single submitter. Criteria: ACMG Guidelines, 2015. Collection method: clinical testing. Allele origin: germline.
Comment: This missense variant replaces isoleucine with valine at codon 917 of the BRCA1 protein. Computational prediction tools and conservation analyses suggest that this variant may not impact protein structure and function. Splice site prediction tools suggest that this variant may not impact RNA splicing. To our knowledge, functional studies have not been performed for this variant. This variant has not been reported in individuals affected with hereditary cancer in the literature. This variant has not been identified in the general population by the Genome Aggregation Database (gnomAD). The available evidence is insufficient to determine the role of this variant in disease conclusively. Therefore, this variant is classified as a Variant of Uncertain Significance.

NM_007294.4(BRCA1):c.2749A>G (p.Ile917Val)

Gene: BRCA1 (BRCA1 DNA repair associated; minus strand). Cytogenetic location: 17q21.31.
Variant type: single nucleotide variant.
Coding change: c.2749A>G on transcript NM_007294.4 (MANE Select); coding-DNA position 2749, A replaced by G.
Protein change: p.Ile917Val; replaces isoleucine 917 with valine.
Molecular consequence: missense variant. On other transcripts: intron variant (137).
Genome position (GRCh38, 1-based): chr17:43,092,782, T>C on the plus strand (A>G on the coding strand, the complement: BRCA1 is on the minus strand). VCF-style: chr17-43092782-T-C. GRCh37 (hg19) VCF-style: chr17-41244799-T-C.
Other names: c.2536A>G, p.Ile846Val (NM_001407571.1, NM_001407853.1, NM_001407894.1 and 9 more transcripts); c.2749A>G, p.Ile917Val (NM_001407581.1, NM_001407582.1, NM_001407583.1 and 30 more transcripts); c.2746A>G, p.Ile916Val (NM_001407587.1, NM_001407590.1, NM_001407591.1 and 22 more transcripts); c.2740A>G, p.Ile914Val (NM_001407646.1, NM_001407647.1); c.2626A>G, p.Ile876Val (NM_001407648.1, NM_001407664.1, NM_001407665.1 and 19 more transcripts); c.2623A>G, p.Ile875Val (NM_001407649.1, NM_001407670.1, NM_001407671.1 and 11 more transcripts); c.2671A>G, p.Ile891Val (NM_001407653.1, NM_001407654.1, NM_001407655.1 and 4 more transcripts); c.2668A>G, p.Ile890Val (NM_001407659.1, NM_001407660.1, NM_001407661.1 and 1 more transcripts); and 41 more; short protein forms I870V, I917V, I789V, I828V, I621V, I749V, I847V, I849V.
Identifiers: ClinVar variation 927647 (VCV000927647.15), dbSNP rs1334134701, ClinGen allele CA10596491.